The following is an entry in ClinVar:

NM_001429.4(EP300):c.6683A>T (p.Gln2228Leu)

Gene: EP300 (EP300 lysine acetyltransferase; plus strand). Cytogenetic location: 22q13.2.
Variant type: single nucleotide variant.
Coding change: c.6683A>T on transcript NM_001429.4 (MANE Select); coding-DNA position 6683, A replaced by T.
Protein change: p.Gln2228Leu; replaces glutamine 2228 with leucine.
Molecular consequence: missense variant.
Genome position (GRCh38, 1-based): chr22:41,178,394, A>T. VCF-style: chr22-41178394-A-T. GRCh37 (hg19) VCF-style: chr22-41574398-A-T.
Other names: c.6605A>T, p.Gln2202Leu (NM_001362843.2); short protein forms Q2202L, Q2228L.
Identifiers: ClinVar variation 4744422 (VCV004744422.1).

ClinVar aggregate classification (germline): Uncertain significance (1 of 4 stars; one submission).

Conditions:
Rubinstein-Taybi syndrome due to EP300 haploinsufficiency. Also called: EP300-Related Rubinstein-Taybi Syndrome; RUBINSTEIN-TAYBI SYNDROME 2. Identifiers: Orphanet 353284, Orphanet 783, MedGen C3150941, MONDO:0013364, OMIM 613684.

Submission:

Labcorp Genetics (formerly Invitae), Labcorp
Classification: Uncertain significance for Rubinstein-Taybi syndrome due to EP300 haploinsufficiency. Last evaluated: 2025-09-23. Review status: criteria provided, single submitter. Criteria: Invitae Variant Classification Sherloc (09022015). Collection method: clinical testing. Allele origin: germline.
Comment: This sequence change replaces glutamine, which is neutral and polar, with leucine, which is neutral and non-polar, at codon 2228 of the EP300 protein (p.Gln2228Leu). This variant is not present in population databases (gnomAD no frequency). This variant has not been reported in the literature in individuals affected with EP300-related conditions. Invitae Evidence Modeling of protein sequence and biophysical properties (such as structural, functional, and spatial information, amino acid conservation, physicochemical variation, residue mobility, and thermodynamic stability) indicates that this missense variant is not expected to disrupt EP300 protein function with a negative predictive value of 80%. In summary, the available evidence is currently insufficient to determine the role of this variant in disease. Therefore, it has been classified as a Variant of Uncertain Significance.